The following is an entry in ClinVar:

ClinVar aggregate classification (germline): conflicting data from submitters (0 of 4 stars; one submission).

Submission:

ISCA site 2
Classification: conflicting data from submitters. Last evaluated: 2013-02-04. Review status: no assertion criteria provided. Collection method: clinical testing. Allele origin: de novo, unknown. Affected: yes. Observed: 4 variant alleles. Clinical features observed: Global developmental delay (HP:0001263), Agenesis of corpus callosum (HP:0001274), Developmental delay AND/OR other significant developmental or morphological phenotypes.
Comment: Uncertain significance(1), Benign (3)

Copy number variation identified through the course of routine clinical cytogenomic testing in postnatal populations, with clinical assertions as classified by the original submitter.

GRCh38/hg38 7q36.3(chr7:155807064-155807664)x3

Gene: SHH (sonic hedgehog signaling molecule; minus strand). Cytogenetic location: 7q36.3.
Variant type: copy number gain.
Change: copy number 3 (three copies instead of two) of chr7:155,807,064-155,807,664 (0.6 kb, GRCh38 coordinates, 1-based), cytogenetic band 7q36.3.
Identifiers: ClinVar variation 147536 (VCV000147536.3).